The following is an entry in ClinVar:

NM_000222.3(KIT):c.52C>T (p.Leu18Phe)

Gene: KIT (KIT proto-oncogene, receptor tyrosine kinase; plus strand). Cytogenetic location: 4q12.
Variant type: single nucleotide variant.
Coding change: c.52C>T on transcript NM_000222.3 (MANE Select); coding-DNA position 52, C replaced by T.
Protein change: p.Leu18Phe; replaces leucine 18 with phenylalanine.
Molecular consequence: missense variant.
Genome position (GRCh38, 1-based): chr4:54,658,066, C>T. VCF-style: chr4-54658066-C-T. GRCh37 (hg19) VCF-style: chr4-55524233-C-T.
Other names: c.52C>T, p.Leu18Phe (NM_001093772.2, NM_001385284.1, NM_001385285.1 and 4 more transcripts); short protein forms L18F.
Identifiers: ClinVar variation 409759 (VCV000409759.25), dbSNP rs370787811, ClinGen allele CA2923118.

ClinVar aggregate classification (germline): Conflicting classifications of pathogenicity. Review status: criteria provided, conflicting classifications (1 of 4 stars). 8 submissions from 8 submitters: Uncertain significance (7); Likely benign (1). Last evaluated 2026-08-01.

Conditions:
Hereditary cancer-predisposing syndrome. Also called: Hereditary neoplastic syndrome; Neoplastic Syndromes, Hereditary; Hereditary Cancer Syndrome; Tumor predisposition. Identifiers: Orphanet 140162, MedGen C0027672, MeSH D009386, MONDO:0015356.
Gastrointestinal stromal tumor. Also called: Gastrointestinal stroma tumor; Gastrointestinal stromal tumor, somatic. Identifiers: Orphanet 44890, MedGen C0238198, MeSH D046152, MONDO:0011719, OMIM 606764, HP:0100723.
KIT-related disorder. Also called: KIT-related condition.

Allele frequency attached by ClinVar (database versions not stated): TOPMed 0.00003; gnomAD 0.00004; ESP Exome Variant Server 0.00015.
gnomAD v4.1: 92 of 1,613,814 alleles (0.0057%); highest among the groups gnomAD compares: Non-Finnish European, 0.0074%; no homozygotes.

Submissions (8):

CeGaT Center for Human Genetics Tuebingen
Classification: Uncertain significance. Last evaluated: 2026-08-01. Review status: criteria provided, single submitter. Criteria: CeGaT Center For Human Genetics Tuebingen Variant Classification Criteria Version 2. Collection method: clinical testing. Allele origin: germline. Affected: yes. Observed: 1 variant allele.

Myriad Genetics, Inc.
Classification: Likely benign for Gastrointestinal stromal tumor. Last evaluated: 2026-05-26. Review status: criteria provided, single submitter. Criteria: Myriad Autosomal Dominant, Autosomal Recessive and X-Linked Classification Criteria (2023). Collection method: clinical testing. Allele origin: unknown.
Comment: This variant is considered likely benign. This variant has been observed at a population frequency that is significantly greater than expected given the associated disease prevalence and penetrance.

Labcorp Genetics (formerly Invitae), Labcorp
Classification: Uncertain significance for Gastrointestinal stromal tumor. Last evaluated: 2026-01-21. Review status: criteria provided, single submitter. Criteria: Invitae Variant Classification Sherloc (09022015). Collection method: clinical testing. Allele origin: germline.
Comment: This sequence change replaces leucine, which is neutral and non-polar, with phenylalanine, which is neutral and non-polar, at codon 18 of the KIT protein (p.Leu18Phe). This variant is present in population databases (rs370787811, gnomAD 0.009%). This variant has not been reported in the literature in individuals affected with KIT-related conditions. ClinVar contains an entry for this variant (Variation ID: 409759). An algorithm developed to predict the effect of missense changes on protein structure and function outputs the following: PolyPhen-2: "Benign". The phenylalanine amino acid residue is found in multiple mammalian species, which suggests that this missense change does not adversely affect protein function. In summary, the available evidence is currently insufficient to determine the role of this variant in disease. Therefore, it has been classified as a Variant of Uncertain Significance.

Ambry Genetics
Classification: Uncertain significance for Hereditary cancer-predisposing syndrome. Last evaluated: 2025-09-02. Review status: criteria provided, single submitter. Criteria: Ambry Variant Classification Scheme 2023. Collection method: clinical testing. Allele origin: germline.
Comment: The p.L18F variant (also known as c.52C>T), located in coding exon 1 of the KIT gene, results from a C to T substitution at nucleotide position 52. The leucine at codon 18 is replaced by phenylalanine, an amino acid with highly similar properties. This amino acid position is well conserved in available vertebrate species. In addition, this alteration is predicted to be tolerated by in silico analysis. Since supporting evidence is limited at this time, the clinical significance of this alteration remains unclear.

PreventionGenetics, part of Exact Sciences
Classification: Uncertain significance for KIT-related condition. Last evaluated: 2024-11-25. Review status: criteria provided, single submitter. Criteria: ACMG Guidelines, 2015. Collection method: clinical testing. Allele origin: germline.
Comment: The KIT c.52C>T variant is predicted to result in the amino acid substitution p.Leu18Phe. To our knowledge, this variant has not been reported in the literature. This variant is reported in 0.0094% of alleles in individuals of European (Non-Finnish) descent in gnomAD and has been interpreted as variant of uncertain significance in the ClinVar database. At this time, the clinical significance of this variant is uncertain due to the absence of conclusive functional and genetic evidence.

Baylor Genetics
Classification: Uncertain significance for Gastrointestinal stromal tumor. Last evaluated: 2024-03-15. Review status: criteria provided, single submitter. Criteria: ACMG Guidelines, 2015. Collection method: clinical testing. Allele origin: unknown.

GeneDx
Classification: Uncertain significance. Last evaluated: 2022-04-03. Review status: criteria provided, single submitter. Criteria: GeneDx Variant Classification Process June 2021. Collection method: clinical testing. Allele origin: germline. Affected: yes.
Comment: In silico analysis supports that this missense variant does not alter protein structure/function; Has not been previously published as pathogenic or benign to our knowledge

Institute for Clinical Genetics, University Hospital TU Dresden, University Hospital TU Dresden
Classification: Uncertain significance. Last evaluated: 2021-11-03. Review status: criteria provided, single submitter. Criteria: ACMG Guidelines, 2015. Collection method: clinical testing. Allele origin: germline.